The following is an entry in ClinVar:

NM_005676.5(RBM10):c.336GGA[9] (p.Glu119_Asp120insGlu)

Gene: RBM10 (RNA binding motif protein 10; plus strand). Cytogenetic location: Xp11.3.
Variant type: Microsatellite.
Coding change: c.336GGA[9] on transcript NM_005676.5 (MANE Select); nine copies in a row of the 3-base unit GGA starting at c.336; the reference has eight copies in a row; one copy, 3 bases duplicated.
Protein change: p.Glu119_Asp120insGlu.
Molecular consequence: inframe insertion. On other transcripts: intron variant (2).
Genome position (GRCh38, 1-based): chrX:47,171,183-47,171,185, GGA duplicated; duplicating any 3 consecutive bases within chrX:47,171,162-47,171,185 gives the same sequence; the position shown is the placement nearest the transcript's 3' end. VCF-style (leftmost placement, unchanged base first): chrX-47171161-G-GGGA. GRCh37 (hg19) VCF-style: chrX-47030560-G-GGGA.
Other names: c.336GGA[9], p.Glu119_Asp120insGlu (NM_001204467.2); c.531GGA[9], p.Glu184_Asp185insGlu (NM_001204468.2); c.201+1664GGA[9] (NM_001204466.2, NM_152856.3).
Identifiers: ClinVar variation 2733042 (VCV002733042.3), dbSNP rs781822942, ClinGen allele CA10395093.
Genomic context (GRCh38, chrX:47,171,161, plus strand): 5'-GCCCGCCAGGCTTCCCCCGAGACGGCGACTATCGGGACCAGGACTATCGGACCGAGCAAG[G>GGGA]GGAGGAGGAGGAGGAGGAGGAGGATGAGGAGGAGGAGGAGAAGGCCAGTAACATCGTCAT-3'

ClinVar aggregate classification (germline): Uncertain significance (1 of 4 stars; one submission).

Submission:

Labcorp Genetics (formerly Invitae), Labcorp
Classification: Uncertain significance. Last evaluated: 2025-11-19. Review status: criteria provided, single submitter. Criteria: Invitae Variant Classification Sherloc (09022015). Collection method: clinical testing. Allele origin: germline.
Comment: This variant, c.357_359dup, results in the insertion of 1 amino acid(s) of the RBM10 protein (p.Glu119dup), but otherwise preserves the integrity of the reading frame. The frequency data for this variant in the population databases is considered unreliable, as metrics indicate poor data quality at this position in the gnomAD database. This variant has not been reported in the literature in individuals affected with RBM10-related conditions. Experimental studies and prediction algorithms are not available or were not evaluated, and the functional significance of this variant is currently unknown. In summary, the available evidence is currently insufficient to determine the role of this variant in disease. Therefore, it has been classified as a Variant of Uncertain Significance.